The following is an entry in ClinVar:

NM_017636.4(TRPM4):c.2546A>G (p.His849Arg)

Gene: TRPM4 (transient receptor potential cation channel subfamily M member 4; plus strand). Cytogenetic location: 19q13.33.
Variant type: single nucleotide variant.
Coding change: c.2546A>G on transcript NM_017636.4 (MANE Select); coding-DNA position 2546, A replaced by G.
Protein change: p.His849Arg; replaces histidine 849 with arginine.
Molecular consequence: missense variant. On other transcripts: intron variant (1).
Genome position (GRCh38, 1-based): chr19:49,196,775, A>G. VCF-style: chr19-49196775-A-G. GRCh37 (hg19) VCF-style: chr19-49700032-A-G.
Other names: c.2201A>G, p.His734Arg (NM_001321281.2); c.938A>G, p.His313Arg (NM_001321282.2); c.2024A>G, p.His675Arg (NM_001321283.2); c.1484A>G, p.His495Arg (NM_001321285.2); c.2211-3525A>G (NM_001195227.2); short protein forms H313R, H495R, H675R, H734R, H849R.
Identifiers: ClinVar variation 1197023 (VCV001197023.11), dbSNP rs572920924, ClinGen allele CA309455361.
Genomic context (GRCh38, chr19:49,196,775, plus strand): 5'-TGCGCCAGGGCCTGAGCGGAGGCGGGGGCAGCCTCGCCAGCGGGGGCCCCGGGCCTGGCC[A>G]TGCCTCACTGAGCCAGCGCCTGCGCCTCTACCTCGCCGACAGCTGGAACCAGTGCGACCT-3'
Protein context (NP_060106.2, residues 839-859): SLASGGPGPG[His849Arg]ASLSQRLRLY

ClinVar aggregate classification (germline): Uncertain significance. Review status: criteria provided, multiple submitters, no conflicts (2 of 4 stars). 3 submissions from 3 submitters: Uncertain significance (3). Last evaluated 2025-12-27.

Conditions:
Progressive familial heart block type IB (PFHB1B). Identifiers: Orphanet 871, MedGen C1970298, MONDO:0011474, OMIM 604559.
Cardiovascular phenotype. Identifiers: MedGen CN230736.

Allele frequency attached by ClinVar (database versions not stated): 1000 Genomes Project 0.00020; 1000 Genomes Project 30x 0.00031.
gnomAD v4.1: 57 of 1,566,612 alleles (0.0036%); highest among the groups gnomAD compares: East Asian, 0.0047%; no homozygotes.

Submissions (3):

Labcorp Genetics (formerly Invitae), Labcorp
Classification: Uncertain significance for Progressive familial heart block type IB. Last evaluated: 2025-12-27. Review status: criteria provided, single submitter. Criteria: Invitae Variant Classification Sherloc (09022015). Collection method: clinical testing. Allele origin: germline.
Comment: This sequence change replaces histidine, which is basic and polar, with arginine, which is basic and polar, at codon 849 of the TRPM4 protein (p.His849Arg). This variant is present in population databases (rs572920924, gnomAD 0.003%). This variant has not been reported in the literature in individuals affected with TRPM4-related conditions. ClinVar contains an entry for this variant (Variation ID: 1197023). An algorithm developed to predict the effect of missense changes on protein structure and function outputs the following: PolyPhen-2: "Benign". The arginine amino acid residue is found in multiple mammalian species, which suggests that this missense change does not adversely affect protein function. In summary, the available evidence is currently insufficient to determine the role of this variant in disease. Therefore, it has been classified as a Variant of Uncertain Significance.

Ambry Genetics
Classification: Uncertain significance for Cardiovascular phenotype. Last evaluated: 2025-11-26. Review status: criteria provided, single submitter. Criteria: Ambry Variant Classification Scheme 2023. Collection method: clinical testing. Allele origin: germline.

GeneDx
Classification: Uncertain significance. Last evaluated: 2022-06-08. Review status: criteria provided, single submitter. Criteria: GeneDx Variant Classification Process June 2021. Collection method: clinical testing. Allele origin: germline. Affected: yes.
Comment: Has not been previously published as pathogenic or benign to our knowledge; Not observed at significant frequency in large population cohorts (gnomAD); In silico analysis supports that this missense variant does not alter protein structure/function